The following is an entry in ClinVar:

NM_004360.5(CDH1):c.609T>A (p.Gly203=)

Gene: CDH1 (cadherin 1; plus strand). Cytogenetic location: 16q22.1.
Variant type: single nucleotide variant.
Coding change: c.609T>A on transcript NM_004360.5 (MANE Select); coding-DNA position 609, T replaced by A.
Protein change: p.Gly203=; no amino-acid change (glycine 203 retained).
Molecular consequence: synonymous variant. On other transcripts: 5 prime UTR variant (2).
Genome position (GRCh38, 1-based): chr16:68,808,770, T>A. VCF-style: chr16-68808770-T-A. GRCh37 (hg19) VCF-style: chr16-68842673-T-A.
Other names: c.609T>A, p.Gly203= (NM_001317184.2); c.-1007T>A (NM_001317185.2); c.-1211T>A (NM_001317186.2).
Identifiers: ClinVar variation 826185 (VCV000826185.10), dbSNP rs1597891089, ClinGen allele CA496392391.
Genomic context (GRCh38, chr16:68,808,770, plus strand): 5'-CAAAGAAGGCAAGGTTTTCTACAGCATCACTGGCCAAGGAGCTGACACACCCCCTGTTGG[T>A]GTCTTTATTATTGAAAGAGAAACAGGATGGCTGAAGGTGACAGAGCCTCTGGATAGAGAA-3'
Protein context (NP_004351.1, residues 193-213): TGQGADTPPV[Gly203=]VFIIERETGW

ClinVar aggregate classification (germline): Benign/Likely benign. Review status: criteria provided, multiple submitters, no conflicts (2 of 4 stars). 3 submissions from 3 submitters: Benign (1); Likely benign (2). Last evaluated 2024-09-13.

Conditions:
Hereditary cancer-predisposing syndrome. Also called: Neoplastic Syndromes, Hereditary; Hereditary Cancer Syndrome; Hereditary neoplastic syndrome; Tumor predisposition. Identifiers: Orphanet 140162, MedGen C0027672, MeSH D009386, MONDO:0015356.
Hereditary diffuse gastric adenocarcinoma (HDGC). Also called: DIFFUSE GASTRIC AND LOBULAR BREAST CANCER SYNDROME. Identifiers: Orphanet 26106, MedGen C1708349, MONDO:0007648, OMIM 137215.

Submissions (3):

Myriad Genetics, Inc.
Classification: Benign for Hereditary diffuse gastric adenocarcinoma. Last evaluated: 2024-09-13. Review status: criteria provided, single submitter. Criteria: Myriad Autosomal Dominant, Autosomal Recessive and X-Linked Classification Criteria (2023). Collection method: clinical testing. Allele origin: unknown.
Comment: This variant is considered benign. This variant is a silent/synonymous amino acid change and it is not expected to impact splicing.

Labcorp Genetics (formerly Invitae), Labcorp
Classification: Likely benign for Hereditary diffuse gastric adenocarcinoma. Last evaluated: 2024-05-04. Review status: criteria provided, single submitter. Criteria: Invitae Variant Classification Sherloc (09022015). Collection method: clinical testing. Allele origin: germline.

Ambry Genetics
Classification: Likely benign for Hereditary cancer-predisposing syndrome. Last evaluated: 2018-08-16. Review status: criteria provided, single submitter. Criteria: Ambry Variant Classification Scheme 2023. Collection method: clinical testing. Allele origin: germline.